The following is an entry in ClinVar:

ClinVar aggregate classification (germline): Uncertain significance. Review status: criteria provided, multiple submitters, no conflicts (2 of 4 stars). 2 submissions from 2 submitters: Uncertain significance (2). Last evaluated 2022-02-24.

Conditions:
Cardiovascular phenotype. Identifiers: MedGen CN230736.
Hereditary cancer-predisposing syndrome. Also called: Neoplastic Syndromes, Hereditary; Tumor predisposition; Hereditary neoplastic syndrome; Hereditary Cancer Syndrome. Identifiers: Orphanet 140162, MedGen C0027672, MeSH D009386, MONDO:0015356.
Neurofibromatosis, type 1 (NF1). Also called: VON RECKLINGHAUSEN DISEASE; NEUROFIBROMATOSIS, TYPE I, SOMATIC; Peripheral type neurofibromatosis; Neurofibromatosis, type I. Identifiers: Orphanet 636, MedGen C0027831, MONDO:0018975, OMIM 162200. Disease mechanism: loss of function.

Submissions (2):

Labcorp Genetics (formerly Invitae), Labcorp
Classification: Uncertain significance for Neurofibromatosis, type 1. Last evaluated: 2022-02-24. Review status: criteria provided, single submitter. Criteria: Invitae Variant Classification Sherloc (09022015). Collection method: clinical testing. Allele origin: germline.
Comment: In summary, the available evidence is currently insufficient to determine the role of this variant in disease. Therefore, it has been classified as a Variant of Uncertain Significance. Algorithms developed to predict the effect of missense changes on protein structure and function are either unavailable or do not agree on the potential impact of this missense change (SIFT: "Deleterious"; PolyPhen-2: "Probably Damaging"; Align-GVGD: "Class C0"). ClinVar contains an entry for this variant (Variation ID: 527436). This variant has not been reported in the literature in individuals affected with NF1-related conditions. This variant is not present in population databases (gnomAD no frequency). This sequence change replaces threonine, which is neutral and polar, with alanine, which is neutral and non-polar, at codon 2519 of the NF1 protein (p.Thr2519Ala).

Ambry Genetics
Classification: Uncertain significance for Cardiovascular phenotype; Hereditary cancer-predisposing syndrome. Last evaluated: 2022-01-15. Review status: criteria provided, single submitter. Criteria: Ambry Variant Classification Scheme 2023. Collection method: clinical testing. Allele origin: germline.
Comment: The p.T2519A variant (also known as c.7555A>G), located in coding exon 51 of the NF1 gene, results from an A to G substitution at nucleotide position 7555. The threonine at codon 2519 is replaced by alanine, an amino acid with similar properties. This amino acid position is conserved. In addition, the in silico prediction for this alteration is inconclusive. Since supporting evidence is limited at this time, the clinical significance of this alteration remains unclear.

NM_001042492.3(NF1):c.7618A>G (p.Thr2540Ala)

Gene: NF1 (neurofibromin 1; plus strand). Cytogenetic location: 17q11.2.
Variant type: single nucleotide variant.
Coding change: c.7618A>G on transcript NM_001042492.3 (MANE Select); coding-DNA position 7618, A replaced by G.
Protein change: p.Thr2540Ala; replaces threonine 2540 with alanine.
Molecular consequence: missense variant.
Genome position (GRCh38, 1-based): chr17:31,356,462, A>G. VCF-style: chr17-31356462-A-G. GRCh37 (hg19) VCF-style: chr17-29683480-A-G.
Other names: c.7555A>G, p.Thr2519Ala (NM_000267.4); short protein forms T2519A, T2540A.
Identifiers: ClinVar variation 527436 (VCV000527436.8), dbSNP rs1555536632, ClinGen allele CA399017972.